The following is an entry in ClinVar:

NM_005012.4(ROR1):c.2109G>A (p.Glu703=)

Gene: ROR1 (receptor tyrosine kinase like orphan receptor 1; plus strand). Cytogenetic location: 1p31.3.
Variant type: single nucleotide variant.
Coding change: c.2109G>A on transcript NM_005012.4 (MANE Select); coding-DNA position 2109, G replaced by A.
Protein change: p.Glu703=; no amino-acid change (glutamic acid 703 retained).
Molecular consequence: synonymous variant.
Genome position (GRCh38, 1-based): chr1:64,178,150, G>A. VCF-style: chr1-64178150-G-A. GRCh37 (hg19) VCF-style: chr1-64643833-G-A.
Other names: c.2109G>A (NM_005012.3).
Identifiers: ClinVar variation 1662605 (VCV001662605.11), dbSNP rs147481344, ClinGen allele CA890375.
Genomic context (GRCh38, chr1:64,178,150, plus strand): 5'-GGAGATTTTCAGTTTTGGACTCCAGCCATATTATGGATTCAGTAACCAGGAAGTGATTGA[G>A]ATGGTGAGAAAACGGCAGCTCTTACCATGCTCTGAAGACTGCCCACCCAGAATGTACAGC-3'
Protein context (NP_005003.2, residues 693-713): YYGFSNQEVI[Glu703=]MVRKRQLLPC

ClinVar aggregate classification (germline): Benign. Review status: criteria provided, multiple submitters, no conflicts (2 of 4 stars). 3 submissions from 3 submitters: Benign (2). 1 of the submissions does not count toward it. Last evaluated 2025-12-18.

Conditions:
ROR1-related disorder. Also called: ROR1-related condition.

Allele frequency attached by ClinVar (database versions not stated): gnomAD 0.00024; gnomAD exomes 0.00027 and 0.00050; ESP Exome Variant Server 0.00038; TOPMed 0.00038; ExAC 0.00042.
gnomAD v4.1: 463 of 1,614,050 alleles (0.029%); highest among the groups gnomAD compares: Admixed American, 0.038%; 4 homozygotes.

Submissions (3):

Labcorp Genetics (formerly Invitae), Labcorp
Classification: Benign. Last evaluated: 2025-12-18. Review status: criteria provided, single submitter. Criteria: Invitae Variant Classification Sherloc (09022015). Collection method: clinical testing. Allele origin: germline.

Breakthrough Genomics
Classification: Benign. Review status: criteria provided, single submitter. Criteria: ACMG Guidelines, 2015. Collection method: not provided. Allele origin: germline. Inheritance: Autosomal recessive inheritance. Affected: yes.

PreventionGenetics, part of Exact Sciences
Classification: Benign for ROR1-related condition. Last evaluated: 2019-05-16. Review status: no assertion criteria provided. Collection method: clinical testing. Allele origin: germline. Not counted in ClinVar's aggregate classification.
Comment: This variant is classified as benign based on ACMG/AMP sequence variant interpretation guidelines (Richards et al. 2015 PMID: 25741868, with internal and published modifications).